The following is an entry in ClinVar:

ClinVar aggregate classification (germline): Uncertain significance (1 of 4 stars; one submission).

Allele frequency attached by ClinVar (database versions not stated): TOPMed below 0.00001.

Submission:

Labcorp Genetics (formerly Invitae), Labcorp
Classification: Uncertain significance. Last evaluated: 2022-06-19. Review status: criteria provided, single submitter. Criteria: Invitae Variant Classification Sherloc (09022015). Collection method: clinical testing. Allele origin: germline.
Comment: This sequence change replaces arginine, which is basic and polar, with glycine, which is neutral and non-polar, at codon 29 of the ANG protein (p.Arg29Gly). This variant is not present in population databases (gnomAD no frequency). In summary, the available evidence is currently insufficient to determine the role of this variant in disease. Therefore, it has been classified as a Variant of Uncertain Significance. Algorithms developed to predict the effect of missense changes on protein structure and function are either unavailable or do not agree on the potential impact of this missense change (SIFT: "Deleterious"; PolyPhen-2: "Benign"; Align-GVGD: "Class C65"). This variant has not been reported in the literature in individuals affected with ANG-related conditions.

NM_001097577.3(ANG):c.85A>G (p.Arg29Gly)

Genes: ANG (angiogenin; plus strand), EGILA (EGFR interacting lncRNA; minus strand), RNASE4 (ribonuclease A family member 4; plus strand). Cytogenetic location: 14q11.2.
Variant type: single nucleotide variant.
Coding change: c.85A>G on transcript NM_001097577.3 (MANE Select); coding-DNA position 85, A replaced by G.
Protein change: p.Arg29Gly; replaces arginine 29 with glycine.
Molecular consequence: missense variant. On other transcripts: non-coding transcript variant (1), 5 prime UTR variant (1), intron variant (3).
Genome position (GRCh38, 1-based): chr14:20,693,649, A>G. VCF-style: chr14-20693649-A-G. GRCh37 (hg19) VCF-style: chr14-21161808-A-G.
Other names: c.85A>G, p.Arg29Gly (NM_001145.4, NM_001385271.1, NM_001385272.1 and 2 more transcripts); c.-19A>G (NM_001282192.2); c.-17-5706A>G (NM_002937.5, NM_001282193.2); c.-18+4775A>G (NM_194431.3); short protein forms R29G.
Identifiers: ClinVar variation 2008216 (VCV002008216.4), dbSNP rs1886930449, ClinGen allele CA389113036.
Genomic context (GRCh38, chr14:20,693,649, plus strand): 5'-TTGTTGGTCTTCGTGCTGGGTCTGGGTCTGACCCCACCGACCCTGGCTCAGGATAACTCC[A>G]GGTACACACACTTCCTGACCCAGCACTATGATGCCAAACCACAGGGCCGGGATGACAGAT-3'
Protein context (NP_001091046.1, residues 19-39): TPPTLAQDNS[Arg29Gly]YTHFLTQHYD